The following is an entry in ClinVar:

ClinVar aggregate classification (germline): Benign (1 of 4 stars; one submission).

gnomAD v4.1: 600 of 398,482 alleles (0.15%); highest among the groups gnomAD compares: African/African-American, 1.1%; 3 homozygotes.

Submission:

CeGaT Center for Human Genetics Tuebingen
Classification: Benign. Last evaluated: 2026-09-01. Review status: criteria provided, single submitter. Criteria: CeGaT Center For Human Genetics Tuebingen Variant Classification Criteria Version 2. Collection method: clinical testing. Allele origin: germline. Affected: yes. Observed: 3 variant alleles.
Comment: KCNQ1OT1: BS1, BS2

NM_000218.3(KCNQ1):c.1393+23877C>T

Genes: KCNQ1 (potassium voltage-gated channel subfamily Q member 1; plus strand), KCNQ1OT1 (KCNQ1 opposite strand/antisense transcript 1; minus strand). Cytogenetic location: 11p15.5.
Variant type: single nucleotide variant.
Coding change: c.1393+23877C>T on transcript NM_000218.3 (MANE Select); 23877 bases into the intron after coding-DNA position 1393, C replaced by T.
Molecular consequence: intron variant. On other transcripts: non-coding transcript variant (1).
Genome position (GRCh38, 1-based): chr11:2,612,731, C>T. VCF-style: chr11-2612731-C-T. GRCh37 (hg19) VCF-style: chr11-2633961-C-T.
Other names: c.1123+23877C>T (NM_001406837.1); c.1297+23877C>T (NM_001406836.1); c.853+23877C>T (NM_001406838.1); c.1012+23877C>T (NM_181798.2).
Identifiers: ClinVar variation 4534591 (VCV004534591.6).